The following is an entry in ClinVar:

ClinVar aggregate classification (germline): Benign. Review status: criteria provided, multiple submitters, no conflicts (2 of 4 stars). 5 submissions from 5 submitters: Benign (5). Last evaluated 2026-01-21.

Conditions:
Periventricular nodular heterotopia 7 (PVNH7). Identifiers: MedGen C4310669, MONDO:0014966, OMIM 617201.

Allele frequency attached by ClinVar (database versions not stated): gnomAD exomes 0.00043 and 0.00106; ExAC 0.00293; gnomAD 0.00535 and 0.00571; ESP Exome Variant Server 0.00541; TOPMed 0.00618; 1000 Genomes Project 0.00619; 1000 Genomes Project 30x 0.00625.
gnomAD v4.1: 1,449 of 1,570,826 alleles (0.092%); highest among the groups gnomAD compares: African/African-American, 1.8%; 12 homozygotes.

Submissions (5):

Labcorp Genetics (formerly Invitae), Labcorp
Classification: Benign. Last evaluated: 2026-01-21. Review status: criteria provided, single submitter. Criteria: Invitae Variant Classification Sherloc (09022015). Collection method: clinical testing. Allele origin: germline.

ARUP Laboratories, Molecular Genetics and Genomics, ARUP Laboratories
Classification: Benign for Periventricular nodular heterotopia 7. Last evaluated: 2024-06-06. Review status: criteria provided, single submitter. Criteria: ARUP Molecular Germline Variant Investigation Process 2024. Collection method: clinical testing. Allele origin: germline.

Mayo Clinic Laboratories, Mayo Clinic
Classification: Benign. Last evaluated: 2022-07-07. Review status: criteria provided, single submitter. Criteria: ACMG Guidelines, 2015. Collection method: clinical testing. Allele origin: germline. Observed: 6 variant alleles.
Comment: BS1, BS2, BP4

Fulgent Genetics
Classification: Benign for Periventricular nodular heterotopia 7. Last evaluated: 2021-07-26. Review status: criteria provided, single submitter. Criteria: ACMG Guidelines, 2015. Collection method: clinical testing. Allele origin: unknown.

GeneDx
Classification: Benign. Last evaluated: 2020-02-17. Review status: criteria provided, single submitter. Criteria: GeneDx Variant Classification Process June 2021. Collection method: clinical testing. Allele origin: germline. Affected: yes.

NM_001144967.3(NEDD4L):c.2753-4C>T

Gene: NEDD4L (NEDD4 like E3 ubiquitin protein ligase; plus strand). Cytogenetic location: 18q21.31.
Variant type: single nucleotide variant.
Coding change: c.2753-4C>T on transcript NM_001144967.3 (MANE Select); 4 bases into the intron before coding-DNA position 2753, C replaced by T.
Molecular consequence: intron variant.
Genome position (GRCh38, 1-based): chr18:58,391,483, C>T. VCF-style: chr18-58391483-C-T. GRCh37 (hg19) VCF-style: chr18-56058715-C-T.
Other names: p.?; c.2693-4C>T (NM_015277.6); c.2561-4C>T (NM_001243960.2); c.2390-4C>T (NM_001144964.1, NM_001144965.2, NM_001144966.3); c.2330-4C>T (NM_001144971.2, NM_001144970.3); c.2729-4C>T (NM_001144968.2); c.2669-4C>T (NM_001144969.2).
Identifiers: ClinVar variation 417012 (VCV000417012.18), dbSNP rs116251315, ClinGen allele CA8976054.